The following is an entry in ClinVar:

NM_020975.6(RET):c.3300G>T (p.Met1100Ile)

Gene: RET (ret proto-oncogene; plus strand). Cytogenetic location: 10q11.21.
Variant type: single nucleotide variant.
Coding change: c.3300G>T on transcript NM_020975.6 (MANE Select); coding-DNA position 3300, G replaced by T.
Protein change: p.Met1100Ile; replaces methionine 1100 with isoleucine.
Molecular consequence: missense variant. On other transcripts: 3 prime UTR variant (18), intron variant (3).
Genome position (GRCh38, 1-based): chr10:43,128,224, G>T. VCF-style: chr10-43128224-G-T. GRCh37 (hg19) VCF-style: chr10-43623672-G-T.
Other names: c.3300G>T, p.Met1100Ile (NM_000323.2, NM_001406743.1); c.*1470G>T (NM_001355216.2, NM_001406764.1, NM_001406765.1 and 15 more transcripts); c.3240G>T, p.Met1080Ile (NM_001406759.1, NM_001406760.1); c.3171G>T, p.Met1057Ile (NM_001406761.1, NM_001406762.1); c.3165G>T, p.Met1055Ile (NM_001406763.1); c.3012G>T, p.Met1004Ile (NM_001406766.1, NM_001406767.1); c.2904G>T, p.Met968Ile (NM_001406769.1); c.2862G>T, p.Met954Ile (NM_001406771.1); and 10 more; short protein forms M1100I, M597I, M617I, M705I, M758I, M801I, M838I, M858I.
Identifiers: ClinVar variation 3227556 (VCV003227556.1), dbSNP rs747917164, ClinGen allele CA376559216.
Genomic context (GRCh38, chr10:43,128,224, plus strand): 5'-TGATGGCACTAACACTGGGTTTCCAAGATATCCAAATGATAGTGTATATGCTAACTGGAT[G>T]CTTTCACCCTCAGCGGCAAAATTAATGGACACGTTTGATAGTTAACATTTCTTTGTGAAA-3'
Protein context (NP_066124.1, residues 1090-1110): YPNDSVYANW[Met1100Ile]LSPSAAKLMD

ClinVar aggregate classification (germline): Uncertain significance (1 of 4 stars; one submission).

Conditions:
Hereditary cancer-predisposing syndrome. Also called: Neoplastic Syndromes, Hereditary; Tumor predisposition; Hereditary neoplastic syndrome; Hereditary Cancer Syndrome. Identifiers: Orphanet 140162, MedGen C0027672, MeSH D009386, MONDO:0015356.

Submission:

Ambry Genetics
Classification: Uncertain significance for Hereditary cancer-predisposing syndrome. Last evaluated: 2023-10-05. Review status: criteria provided, single submitter. Criteria: Ambry Variant Classification Scheme 2023. Collection method: clinical testing. Allele origin: germline.
Comment: The p.M1100I variant (also known as c.3300G>T), located in coding exon 20 of the RET gene, results from a G to T substitution at nucleotide position 3300. The methionine at codon 1100 is replaced by isoleucine, an amino acid with highly similar properties. This amino acid position is conserved. In addition, the in silico prediction for this alteration is inconclusive. Since supporting evidence is limited at this time, the clinical significance of this alteration remains unclear.